The following is an entry in ClinVar:

NM_001077365.2(POMT1):c.1698+233C>T

Gene: POMT1 (protein O-mannosyltransferase 1; plus strand). Cytogenetic location: 9q34.13.
Variant type: single nucleotide variant.
Coding change: c.1698+233C>T on transcript NM_001077365.2 (MANE Select); 233 bases into the intron after coding-DNA position 1698, C replaced by T.
Molecular consequence: intron variant.
Genome position (GRCh38, 1-based): chr9:131,520,426, C>T. VCF-style: chr9-131520426-C-T. GRCh37 (hg19) VCF-style: chr9-134395813-C-T.
Other names: c.1602+233C>T (NM_001353198.2, NM_001353197.2); c.1764+233C>T (NM_001353193.2, NM_007171.4); c.1698+233C>T (NM_001136113.2); c.1536+233C>T (NM_001353194.2, NM_001077366.2); c.1347+233C>T (NM_001374691.1, NM_001353195.2, NM_001374692.1 and 2 more transcripts); c.1479+233C>T (NM_001374690.1); c.1608+233C>T (NM_001353196.2); c.1308+233C>T (NM_001374695.1); and 3 more.
Identifiers: ClinVar variation 670862 (VCV000670862.1), dbSNP rs62580581, ClinGen allele CA13102597.
Genomic context (GRCh38, chr9:131,520,426, plus strand): 5'-AGTAGGGGTGTGGCATGTGTGCCTGTTGAAGGAAACCCGGCTTGATTGCTTTTGTGGAGA[C>T]ACATTGTTCCCCTTTTCCTGGCGAAAGTGGTTTTAAGATATTCCCATTCAATTTTCCGTG-3'

ClinVar aggregate classification (germline): Benign (1 of 4 stars; one submission).

Allele frequency attached by ClinVar (database versions not stated): 1000 Genomes Project 0.06150; 1000 Genomes Project 30x 0.06512; TOPMed 0.09875; gnomAD 0.11220 and 0.11588.
gnomAD v4.1: 17,093 of 152,208 alleles (11%); highest among the groups gnomAD compares: Non-Finnish European, 15%; 1,187 homozygotes.

Submission:

GeneDx
Classification: Benign. Last evaluated: 2018-06-14. Review status: criteria provided, single submitter. Criteria: GeneDx Variant Classification (06012015). Collection method: clinical testing. Allele origin: germline. Affected: yes.
Comment: This variant is considered likely benign or benign based on one or more of the following criteria: it is a conservative change, it occurs at a poorly conserved position in the protein, it is predicted to be benign by multiple in silico algorithms, and/or has population frequency not consistent with disease.